The following is an entry in ClinVar:

ClinVar aggregate classification (germline): Conflicting classifications of pathogenicity. Review status: criteria provided, conflicting classifications (1 of 4 stars). 3 submissions from 3 submitters: Uncertain significance (1); Likely benign (2). Last evaluated 2025-07-15.

Conditions:
ITGA6-related disorder. Also called: ITGA6-related condition.
Junctional epidermolysis bullosa with pyloric atresia. Also called: EPIDERMOLYSIS BULLOSA, JUNCTIONAL 5B, WITH PYLORIC ATRESIA; Epidermolysis bullosa, junctional, with pyloric atresia and aplasia cutis congenita; Epidermolysis bullosa junctionalis with pyloric atresia; APLASIA CUTIS CONGENITA WITH GASTROINTESTINAL ATRESIA; CARMI SYNDROME; EB-PA-ACC. Identifiers: Orphanet 79403, MedGen C5676875, MONDO:0009183, OMIM 226730.

Allele frequency attached by ClinVar (database versions not stated): ExAC 0.00001; gnomAD 0.00002; gnomAD exomes 0.00003 and 0.00011; TOPMed 0.00005.
gnomAD v4.1: 164 of 1,613,846 alleles (0.01%); highest among the groups gnomAD compares: Non-Finnish European, 0.013%; no homozygotes.

Submissions (3):

PreventionGenetics, part of Exact Sciences
Classification: Likely benign for ITGA6-related condition. Last evaluated: 2025-07-15. Review status: criteria provided, single submitter. Criteria: ACMG Guidelines, 2015. Collection method: clinical testing. Allele origin: germline.
Comment: This variant is classified as likely benign based on ACMG/AMP sequence variant interpretation guidelines (Richards et al. 2015 PMID: 25741868, with internal and published modifications).

Labcorp Genetics (formerly Invitae), Labcorp
Classification: Likely benign. Last evaluated: 2024-03-22. Review status: criteria provided, single submitter. Criteria: Invitae Variant Classification Sherloc (09022015). Collection method: clinical testing. Allele origin: germline.

Illumina Laboratory Services, Illumina
Classification: Uncertain significance for Junctional epidermolysis bullosa with pyloric atresia. Last evaluated: 2018-03-02. Review status: criteria provided, single submitter. Criteria: ICSL Variant Classification Criteria 13 December 2019. Collection method: clinical testing. Allele origin: germline.

NM_000210.4(ITGA6):c.3000T>C (p.Thr1000=)

Genes: ITGA6 (integrin subunit alpha 6; plus strand), PDK1-AS1 (PDK1 and ITGA6 antisense RNA 1; minus strand). Cytogenetic location: 2q31.1.
Variant type: single nucleotide variant.
Coding change: c.3000T>C on transcript NM_000210.4 (MANE Select); coding-DNA position 3000, T replaced by C.
Protein change: p.Thr1000=; no amino-acid change (threonine 1000 retained).
Molecular consequence: synonymous variant.
Genome position (GRCh38, 1-based): chr2:172,497,986, T>C. VCF-style: chr2-172497986-T-C. GRCh37 (hg19) VCF-style: chr2-173362714-T-C.
Other names: c.3000T>C, p.Thr1000= (NM_001079818.3); c.2643T>C, p.Thr881= (NM_001316306.2); c.2955T>C, p.Thr985= (NM_001365529.2, NM_001365530.2).
Identifiers: ClinVar variation 745262 (VCV000745262.11), dbSNP rs751960466, ClinGen allele CA1968571.